The following is an entry in ClinVar:

ClinVar aggregate classification (germline): Uncertain significance (1 of 4 stars; one submission).

Conditions:
RYR1-related disorder. Also called: RYR1-related disorders; RYR1-related condition. Identifiers: MedGen CN239331.

Allele frequency attached by ClinVar (database versions not stated): gnomAD exomes below 0.00001; gnomAD 0.00001; TOPMed 0.00002.
gnomAD v4.1: 2 of 1,613,362 alleles (0.00012%); highest among the groups gnomAD compares: African/African-American, 0.0027%; no homozygotes.

Submission:

Labcorp Genetics (formerly Invitae), Labcorp
Classification: Uncertain significance for RYR1-related disorder. Last evaluated: 2019-05-24. Review status: criteria provided, single submitter. Criteria: Invitae Variant Classification Sherloc (09022015). Collection method: clinical testing. Allele origin: germline.
Comment: In summary, the available evidence is currently insufficient to determine the role of this variant in disease. Therefore, it has been classified as a Variant of Uncertain Significance. Algorithms developed to predict the effect of sequence changes on RNA splicing suggest that this variant may create or strengthen a splice site, but this prediction has not been confirmed by published transcriptional studies. Algorithms developed to predict the effect of missense changes on protein structure and function are either unavailable or do not agree on the potential impact of this missense change (SIFT: "Deleterious"; PolyPhen-2: "Benign"; Align-GVGD: "Class C0"). This variant has not been reported in the literature in individuals with RYR1-related conditions. This variant is not present in population databases (ExAC no frequency). This sequence change replaces glutamic acid with valine at codon 2828 of the RYR1 protein (p.Glu2828Val). The glutamic acid residue is highly conserved and there is a moderate physicochemical difference between glutamic acid and valine.

NM_000540.3(RYR1):c.8483A>T (p.Glu2828Val)

Genes: RYR1 (ryanodine receptor 1; plus strand), LOC126862902 (BRD4-independent group 4 enhancer GRCh37_chr19:38995830-38997029; plus strand). Cytogenetic location: 19q13.2.
Variant type: single nucleotide variant.
Coding change: c.8483A>T on transcript NM_000540.3 (MANE Select); coding-DNA position 8483, A replaced by T.
Protein change: p.Glu2828Val; replaces glutamic acid 2828 with valine.
Molecular consequence: missense variant.
Genome position (GRCh38, 1-based): chr19:38,505,888, A>T. VCF-style: chr19-38505888-A-T. GRCh37 (hg19) VCF-style: chr19-38996528-A-T.
Other names: c.8483A>T, p.Glu2828Val (NM_001042723.2); short protein forms E2828V.
Identifiers: ClinVar variation 945544 (VCV000945544.10), dbSNP rs1048909436, ClinGen allele CA308117547.